The following is an entry in ClinVar:

NM_000135.4(FANCA):c.2700T>G (p.Ser900=)

Gene: FANCA (FA complementation group A; minus strand). Cytogenetic location: 16q24.3.
Variant type: single nucleotide variant.
Coding change: c.2700T>G on transcript NM_000135.4 (MANE Select); coding-DNA position 2700, T replaced by G.
Protein change: p.Ser900=; no amino-acid change (serine 900 retained).
Molecular consequence: synonymous variant.
Genome position (GRCh38, 1-based): chr16:89,764,968, A>C on the plus strand (T>G on the coding strand, the complement: FANCA is on the minus strand). VCF-style: chr16-89764968-A-C. GRCh37 (hg19) VCF-style: chr16-89831376-A-C.
Other names: c.2700T>G, p.Ser900= (NM_001286167.3).
Identifiers: ClinVar variation 1155911 (VCV001155911.13), dbSNP rs755783870, ClinGen allele CA8251590.

ClinVar aggregate classification (germline): Likely benign. Review status: criteria provided, multiple submitters, no conflicts (2 of 4 stars). 4 submissions from 4 submitters: Likely benign (3). 1 of the submissions does not count toward it. Last evaluated 2025-03-22.

Conditions:
Inborn genetic diseases. Identifiers: MedGen C0950123, MeSH D030342.
Fanconi anemia (FA). Also called: Fanconi's anemia. Identifiers: Orphanet 84, MedGen C0015625, MeSH D005199, MONDO:0019391.
FANCA-related disorder. Also called: FANCA-related condition.

Allele frequency attached by ClinVar (database versions not stated): gnomAD 0.00001; gnomAD exomes 0.00001 and 0.00002; TOPMed 0.00001; ExAC 0.00002.
gnomAD v4.1: 20 of 1,614,144 alleles (0.0012%); highest among the groups gnomAD compares: Non-Finnish European, 0.0017%; no homozygotes.

Submissions (4):

Ambry Genetics
Classification: Likely benign for Inborn genetic diseases. Last evaluated: 2025-03-22. Review status: criteria provided, single submitter. Criteria: Ambry Variant Classification Scheme 2023. Collection method: clinical testing. Allele origin: germline.

Labcorp Genetics (formerly Invitae), Labcorp
Classification: Likely benign for Fanconi anemia. Last evaluated: 2024-12-28. Review status: criteria provided, single submitter. Criteria: Invitae Variant Classification Sherloc (09022015). Collection method: clinical testing. Allele origin: germline.

Sema4
Classification: Likely benign for Fanconi anemia. Last evaluated: 2021-11-29. Review status: criteria provided, single submitter. Criteria: Sema4 Curation Guidelines. Collection method: curation. Allele origin: germline.

PreventionGenetics, part of Exact Sciences
Classification: Likely benign for FANCA-related condition. Last evaluated: 2019-03-20. Review status: no assertion criteria provided. Collection method: clinical testing. Allele origin: germline. Not counted in ClinVar's aggregate classification.
Comment: This variant is classified as likely benign based on ACMG/AMP sequence variant interpretation guidelines (Richards et al. 2015 PMID: 25741868, with internal and published modifications).